The following is an entry in ClinVar:

NM_022124.6(CDH23):c.8224C>T (p.Pro2742Ser)

Gene: CDH23 (cadherin related 23; plus strand). Cytogenetic location: 10q22.1.
Variant type: single nucleotide variant.
Coding change: c.8224C>T on transcript NM_022124.6 (MANE Select); coding-DNA position 8224, C replaced by T.
Protein change: p.Pro2742Ser; replaces proline 2742 with serine.
Molecular consequence: missense variant.
Genome position (GRCh38, 1-based): chr10:71,807,322, C>T. VCF-style: chr10-71807322-C-T. GRCh37 (hg19) VCF-style: chr10-73567079-C-T.
Other names: c.1504C>T, p.Pro502Ser (NM_001171933.1, NM_001171934.1); short protein forms P502S, P2742S.
Identifiers: ClinVar variation 2080728 (VCV002080728.1), dbSNP rs771804448, ClinGen allele CA5546577.

ClinVar aggregate classification (germline): Uncertain significance (1 of 4 stars; one submission).

Allele frequency attached by ClinVar (database versions not stated): gnomAD exomes 0.00001; ExAC 0.00002; TOPMed 0.00002.
gnomAD v4.1: 14 of 1,613,926 alleles (0.00087%); highest among the groups gnomAD compares: Admixed American, 0.02%; no homozygotes.

Submission:

Labcorp Genetics (formerly Invitae), Labcorp
Classification: Uncertain significance. Last evaluated: 2022-09-12. Review status: criteria provided, single submitter. Criteria: Invitae Variant Classification Sherloc (09022015). Collection method: clinical testing. Allele origin: germline.
Comment: This sequence change replaces proline, which is neutral and non-polar, with serine, which is neutral and polar, at codon 2742 of the CDH23 protein (p.Pro2742Ser). This variant is present in population databases (rs771804448, gnomAD 0.03%). This variant has not been reported in the literature in individuals affected with CDH23-related conditions. Advanced modeling of protein sequence and biophysical properties (such as structural, functional, and spatial information, amino acid conservation, physicochemical variation, residue mobility, and thermodynamic stability) performed at Invitae indicates that this missense variant is not expected to disrupt CDH23 protein function. In summary, the available evidence is currently insufficient to determine the role of this variant in disease. Therefore, it has been classified as a Variant of Uncertain Significance.